The following is an entry in ClinVar:

NM_001277115.2(DNAH11):c.1826T>G (p.Leu609Arg)

Gene: DNAH11 (dynein axonemal heavy chain 11; plus strand). Cytogenetic location: 7p15.3.
Variant type: single nucleotide variant.
Coding change: c.1826T>G on transcript NM_001277115.2 (MANE Select); coding-DNA position 1826, T replaced by G.
Protein change: p.Leu609Arg; replaces leucine 609 with arginine.
Molecular consequence: missense variant.
Genome position (GRCh38, 1-based): chr7:21,588,179, T>G. VCF-style: chr7-21588179-T-G. GRCh37 (hg19) VCF-style: chr7-21627797-T-G.
Other names: short protein forms L609R.
Identifiers: ClinVar variation 5019752 (VCV005019752.1).

ClinVar aggregate classification (germline): Uncertain significance (1 of 4 stars; one submission).

Conditions:
Primary ciliary dyskinesia 7. Also called: CILIARY DYSKINESIA, PRIMARY, 7, WITH OR WITHOUT SITUS INVERSUS. Identifiers: Orphanet 244, MedGen C2678473, MONDO:0012748, OMIM 611884.

Submission:

Juno Genomics, Hangzhou Juno Genomics, Inc
Classification: Uncertain significance for Primary ciliary dyskinesia 7. Review status: criteria provided, single submitter. Criteria: ACMG Guidelines, 2015. Collection method: clinical testing. Allele origin: germline. Affected: yes.
Comment: Absent from controls (or at extremely low frequency if recessive) in Genome Aggregation Database.;For recessive disorders, detected in trans with a pathogenic variant.